The following is an entry in ClinVar:

ClinVar aggregate classification (germline): Uncertain significance (1 of 4 stars; one submission).

gnomAD v4.1: 3 of 1,613,994 alleles (0.00019%); highest among the groups gnomAD compares: African/African-American, 0.0027%; no homozygotes.

Submission:

Labcorp Genetics (formerly Invitae), Labcorp
Classification: Uncertain significance. Last evaluated: 2025-06-26. Review status: criteria provided, single submitter. Criteria: Invitae Variant Classification Sherloc (09022015). Collection method: clinical testing. Allele origin: germline.
Comment: This sequence change replaces methionine, which is neutral and non-polar, with valine, which is neutral and non-polar, at codon 357 of the TAOK2 protein (p.Met357Val). This variant is present in population databases (no rsID available, gnomAD 0.01%). This variant has not been reported in the literature in individuals affected with TAOK2-related conditions. An algorithm developed to predict the effect of missense changes on protein structure and function (PolyPhen-2) suggests that this variant is likely to be disruptive. In summary, the available evidence is currently insufficient to determine the role of this variant in disease. Therefore, it has been classified as a Variant of Uncertain Significance.

NM_016151.4(TAOK2):c.1069A>G (p.Met357Val)

Gene: TAOK2 (TAO kinase 2; plus strand). Cytogenetic location: 16p11.2.
Variant type: single nucleotide variant.
Coding change: c.1069A>G on transcript NM_016151.4 (MANE Select); coding-DNA position 1069, A replaced by G.
Protein change: p.Met357Val; replaces methionine 357 with valine.
Molecular consequence: missense variant.
Genome position (GRCh38, 1-based): chr16:29,983,141, A>G. VCF-style: chr16-29983141-A-G. GRCh37 (hg19) VCF-style: chr16-29994462-A-G.
Other names: c.1069A>G, p.Met357Val (NM_001252043.2, NM_004783.4); short protein forms M357V.
Identifiers: ClinVar variation 4775893 (VCV004775893.1).